The following is an entry in ClinVar:

NM_014319.5(LEMD3):c.652G>C (p.Glu218Gln)

Gene: LEMD3 (LEM domain containing 3; plus strand). Cytogenetic location: 12q14.3.
Variant type: single nucleotide variant.
Coding change: c.652G>C on transcript NM_014319.5 (MANE Select); coding-DNA position 652, G replaced by C.
Protein change: p.Glu218Gln; replaces glutamic acid 218 with glutamine.
Molecular consequence: missense variant.
Genome position (GRCh38, 1-based): chr12:65,170,248, G>C. VCF-style: chr12-65170248-G-C. GRCh37 (hg19) VCF-style: chr12-65564028-G-C.
Other names: c.652G>C, p.Glu218Gln (NM_001167614.2); c.652G>C (NM_014319.4); short protein forms E218Q.
Identifiers: ClinVar variation 1415815 (VCV001415815.8), dbSNP rs932800195, ClinGen allele CA238907708.

ClinVar aggregate classification (germline): Uncertain significance. Review status: criteria provided, multiple submitters, no conflicts (2 of 4 stars). 3 submissions from 3 submitters: Uncertain significance (3). Last evaluated 2025-08-20.

Conditions:
Inborn genetic diseases. Identifiers: MedGen C0950123, MeSH D030342.

Allele frequency attached by ClinVar (database versions not stated): gnomAD 0.00003 and 0.00004; gnomAD exomes 0.00003 and 0.00004; TOPMed 0.00008.
gnomAD v4.1: 44 of 1,549,558 alleles (0.0028%); highest among the groups gnomAD compares: Admixed American, 0.018%; 1 homozygote.

Submissions (3):

Labcorp Genetics (formerly Invitae), Labcorp
Classification: Uncertain significance. Last evaluated: 2025-08-20. Review status: criteria provided, single submitter. Criteria: Invitae Variant Classification Sherloc (09022015). Collection method: clinical testing. Allele origin: germline.
Comment: This sequence change replaces glutamic acid, which is acidic and polar, with glutamine, which is neutral and polar, at codon 218 of the LEMD3 protein (p.Glu218Gln). This variant is present in population databases (no rsID available, gnomAD 0.01%). This variant has not been reported in the literature in individuals affected with LEMD3-related conditions. ClinVar contains an entry for this variant (Variation ID: 1415815). An algorithm developed to predict the effect of missense changes on protein structure and function (PolyPhen-2) suggests that this variant is likely to be tolerated. In summary, the available evidence is currently insufficient to determine the role of this variant in disease. Therefore, it has been classified as a Variant of Uncertain Significance.

Ambry Genetics
Classification: Uncertain significance for Inborn genetic diseases. Last evaluated: 2025-08-14. Review status: criteria provided, single submitter. Criteria: Ambry Variant Classification Scheme 2023. Collection method: clinical testing. Allele origin: germline.

Blueprint Genetics
Classification: Uncertain significance. Last evaluated: 2024-09-10. Review status: criteria provided, single submitter. Criteria: ACMG Guidelines, 2015. Collection method: clinical testing. Allele origin: germline.